The following is an entry in ClinVar:

NM_000891.3(KCNJ2):c.407_409delinsTTT (p.Ser136_Ile137delinsPhePhe)

Gene: KCNJ2 (potassium inwardly rectifying channel subfamily J member 2; plus strand). Cytogenetic location: 17q24.3.
Variant type: Indel.
Coding change: c.407_409delinsTTT on transcript NM_000891.3 (MANE Select); coding-DNA positions 407 to 409, CCA replaced by TTT.
Protein change: p.Ser136_Ile137delinsPhePhe.
Molecular consequence: missense variant.
Genome position (GRCh38, 1-based): chr17:70,175,446-70,175,448, CCA replaced by TTT. VCF-style: chr17-70175446-CCA-TTT. GRCh37 (hg19) VCF-style: chr17-68171587-CCA-TTT.
Other names: c.407_409delCCAinsTTT (NM_000891.2).
Identifiers: ClinVar variation 219878 (VCV000219878.9), dbSNP rs864622292, ClinGen allele CA350368.

ClinVar aggregate classification (germline): Likely pathogenic. Review status: criteria provided, single submitter (1 of 4 stars). 2 submissions from 1 submitter: Likely pathogenic (2). Last evaluated 2016-06-14.

Conditions:
Short QT syndrome type 3. Identifiers: Orphanet 51083, MedGen C1865018, MONDO:0012314, OMIM 609622.
Andersen Tawil syndrome (LQT7). Also called: Potassium-sensitive periodic paralysis, ventricular ectopy, and dysmorphic features; LONG QT SYNDROME 7; PERIODIC PARALYSIS, POTASSIUM-SENSITIVE CARDIODYSRHYTHMIC TYPE; ANDERSEN CARDIODYSRHYTHMIC PERIODIC PARALYSIS; Andersen Syndrome. Identifiers: Orphanet 37553, MedGen C1563715, MONDO:0008222, OMIM 170390.

Submissions (2):

Labcorp Genetics (formerly Invitae), Labcorp
Classification: Likely pathogenic for Andersen Tawil syndrome. Last evaluated: 2016-06-14. Review status: criteria provided, single submitter. Criteria: Invitae Variant Classification Sherloc (09022015). Collection method: clinical testing. Allele origin: germline.
Comment: This variant, c.407_409delCCAinsTTT, is a complex sequence change that results in the deletion of 2 amino acids (Ser and Ile) and the insertion of 2 amino acids (Phe and Phe) to the KCNJ2 protein (p.Ser136_Ile137delinsPhePhe), but otherwise preserves the integrity of the reading frame. This variant is not present in population databases and has not been published in the literature. This sequence change introduces two phenylalanine residues at the p.136 and p.137 codons. A missense substitution which introduces one phenylalanine at this position (p.Ser136Phe) has been reported in an individual affected with Andersen-Tawil syndrome and has been shown to be deleterious by causing a dominant negative effect (PMID: 11371347, 12163457, 12909315, 14522976, 22002906). These results indicate that the serine residue at p.136 is required for adequate KCNJ2 protein function. In summary, this is a novel in-frame sequence change which affects an important residue required for KCNJ2 protein function. For these reasons, this variant has been classified as Likely Pathogenic.

Labcorp Genetics (formerly Invitae), Labcorp
Classification: Likely pathogenic for Short QT syndrome type 3; Andersen Tawil syndrome. Last evaluated: 2016-06-14. Review status: criteria provided, single submitter. Criteria: Invitae Variant Classification Sherloc (09022015). Collection method: clinical testing. Allele origin: germline.
Comment: This variant is not present in population databases and has not been published in the literature. This variant, c.407_409delCCAinsTTT, is a complex sequence change that results in the deletion of 2 amino acids (Ser and Ile) and the insertion of 2 amino acids (Phe and Phe) to the KCNJ2 protein (p.Ser136_Ile137delinsPhePhe), but otherwise preserves the integrity of the reading frame. This sequence change introduces two phenylalanine residues at the p.136 and p.137 codons. A missense substitution which introduces one phenylalanine at this position (p.Ser136Phe) has been reported in an individual affected with Andersen-Tawil syndrome and has been shown to be deleterious by causing a dominant negative effect (PMID: 11371347, 12163457, 12909315, 14522976, 22002906). These results indicate that the serine residue at p.136 is required for adequate KCNJ2 protein function. In summary, this is a novel in-frame sequence change which affects an important residue required for KCNJ2 protein function. For these reasons, this variant has been classified as Likely Pathogenic.

Literature cited by the submitters: PubMed 11371347; PubMed 12163457; PubMed 12909315; PubMed 14522976; PubMed 22002906.